The following is an entry in ClinVar:

NM_016070.4(MRPS23):c.111C>T (p.Ala37=)

Gene: MRPS23 (mitochondrial ribosomal protein S23; minus strand). Cytogenetic location: 17q22.
Variant type: single nucleotide variant.
Coding change: c.111C>T on transcript NM_016070.4 (MANE Select); coding-DNA position 111, C replaced by T.
Protein change: p.Ala37=; no amino-acid change (alanine 37 retained).
Molecular consequence: synonymous variant.
Genome position (GRCh38, 1-based): chr17:57,849,344, G>A on the plus strand (C>T on the coding strand, the complement: MRPS23 is on the minus strand). VCF-style: chr17-57849344-G-A. GRCh37 (hg19) VCF-style: chr17-55926705-G-A.
Identifiers: ClinVar variation 3053497 (VCV003053497.4), dbSNP rs200379700, ClinGen allele CA8666795.

ClinVar aggregate classification (germline): Likely benign. Review status: criteria provided, single submitter (1 of 4 stars). 2 submissions from 2 submitters: Likely benign (1). 1 of the submissions does not count toward it. Last evaluated 2024-10-15.

Conditions:
MRPS23-related disorder. Also called: MRPS23-related condition.

Allele frequency attached by ClinVar (database versions not stated): 1000 Genomes Project 0.00020; TOPMed 0.00004; ExAC 0.00005; 1000 Genomes Project 30x 0.00016.
gnomAD v4.1: 75 of 1,614,230 alleles (0.0046%); highest among the groups gnomAD compares: Non-Finnish European, 0.0062%; no homozygotes.

Submissions (2):

Labcorp Genetics (formerly Invitae), Labcorp
Classification: Likely benign. Last evaluated: 2024-10-15. Review status: criteria provided, single submitter. Criteria: Invitae Variant Classification Sherloc (09022015). Collection method: clinical testing. Allele origin: germline.

PreventionGenetics, part of Exact Sciences
Classification: Likely benign for MRPS23-related condition. Last evaluated: 2019-08-13. Review status: no assertion criteria provided. Collection method: clinical testing. Allele origin: germline. Not counted in ClinVar's aggregate classification.
Comment: This variant is classified as likely benign based on ACMG/AMP sequence variant interpretation guidelines (Richards et al. 2015 PMID: 25741868, with internal and published modifications).